The following is an entry in ClinVar:

NM_001048174.2(MUTYH):c.1130C>G (p.Pro377Arg)

Gene: MUTYH (mutY DNA glycosylase; minus strand). Cytogenetic location: 1p34.1.
Variant type: single nucleotide variant.
Coding change: c.1130C>G on transcript NM_001048174.2 (MANE Select); coding-DNA position 1130, C replaced by G.
Protein change: p.Pro377Arg; replaces proline 377 with arginine.
Molecular consequence: missense variant. On other transcripts: non-coding transcript variant (7).
Genome position (GRCh38, 1-based): chr1:45,331,529, G>C on the plus strand (C>G on the coding strand, the complement: MUTYH is on the minus strand). VCF-style: chr1-45331529-G-C. GRCh37 (hg19) VCF-style: chr1-45797201-G-C.
Other names: c.1130C>G, p.Pro377Arg (NM_001048171.2, NM_001048173.2, NM_001293195.2 and 6 more transcripts); c.1133C>G, p.Pro378Arg (NM_001048172.2, NM_001407071.1, NM_001407078.1 and 1 more transcripts); c.1214C>G, p.Pro405Arg (NM_001128425.2); c.1175C>G, p.Pro392Arg (NM_001293190.2); c.1163C>G, p.Pro388Arg (NM_001293191.2, NM_001407069.1, NM_001407077.1); c.854C>G, p.Pro285Arg (NM_001293192.2, NM_001293196.2, NM_001407091.1); c.785C>G, p.Pro262Arg (NM_001350650.2, NM_001350651.2, NM_001407082.1); c.1046C>G, p.Pro349Arg (NM_001407075.1); and 5 more; short protein forms P377R, P384R, P388R, P349R, P364R, P392R, P402R, P405R.
Identifiers: ClinVar variation 3914955 (VCV003914955.2).
Genomic context (GRCh38, chr1:45,331,529, plus strand): 5'-TGTAGTTCCTGCAGCAGGGCCTTGCGCTGAAGCTGCTCTGAGGGCTCCCAGGTCACGGAC[G>C]GGAACTCCCACAGTCCTGCCAGCAGACCTGAGAGGGAGGGCAGCCAGGCAGGGGTCAGGC-3'
Protein context (NP_001041639.1, residues 367-387): SGLLAGLWEF[Pro377Arg]SVTWEPSEQL

ClinVar aggregate classification (germline): Likely pathogenic (1 of 4 stars; one submission).

Conditions:
Hereditary cancer-predisposing syndrome. Also called: Hereditary Cancer Syndrome; Hereditary neoplastic syndrome; Neoplastic Syndromes, Hereditary; Tumor predisposition. Identifiers: Orphanet 140162, MedGen C0027672, MeSH D009386, MONDO:0015356.

Submission:

Ambry Genetics
Classification: Likely pathogenic for Hereditary cancer-predisposing syndrome. Last evaluated: 2025-08-15. Review status: criteria provided, single submitter. Criteria: Ambry Variant Classification Scheme 2023. Collection method: clinical testing. Allele origin: germline.
Comment: The p.P405R variant (also known as c.1214C>G), located in coding exon 13 of the MUTYH gene, results from a C to G substitution at nucleotide position 1214. The proline at codon 405 is replaced by arginine, an amino acid with dissimilar properties. In a massively parallel cell-based functional assay testing 7,8-dihydro-8-oxoguanine:adenine (8OG:A) repair activity, a byproduct of oxidative damage, this variant was reported to be non-functional (Hemker SL et al. Am J Hum Genet. Published online July 29, 2025. DOI: 10.1016/j.ajhg.2025.07.005). This amino acid position is highly conserved in available vertebrate species. In addition, this alteration is predicted to be deleterious by in silico analysis. This variant is considered to be rare based on population cohorts in the Genome Aggregation Database (gnomAD). Based on the majority of available evidence to date, this variant is likely to be pathogenic.

Literature cited by the submitters: PubMed 40738107.